The following is an entry in ClinVar:

ClinVar aggregate classification (germline): Uncertain significance (1 of 4 stars; one submission).

Conditions:
Developmental delay, behavioral abnormalities, and neuropsychiatric disorders (DEDBANP). Identifiers: MedGen C5774224, MONDO:0859292, OMIM 620065.

Submission:

Laboratorio de Genetica e Diagnostico Molecular, Hospital Israelita Albert Einstein
Classification: Uncertain significance for Developmental delay, behavioral abnormalities, and neuropsychiatric disorders. Last evaluated: 2023-09-18. Review status: criteria provided, single submitter. Criteria: ACMG Guidelines, 2015. Collection method: clinical testing. Allele origin: germline. Affected: yes.
Comment: ACMG classification criteria: PM2 moderate, PP3 supporting

NM_014921.5(ADGRL1):c.4138T>G (p.Tyr1380Asp)

Genes: ADGRL1 (adhesion G protein-coupled receptor L1; minus strand), ADGRL1-AS1 (ADGRL1 antisense RNA 1; plus strand). Cytogenetic location: 19p13.12.
Variant type: single nucleotide variant.
Coding change: c.4138T>G on transcript NM_014921.5 (MANE Select); coding-DNA position 4138, T replaced by G.
Protein change: p.Tyr1380Asp; replaces tyrosine 1380 with aspartic acid.
Molecular consequence: missense variant.
Genome position (GRCh38, 1-based): chr19:14,151,145, A>C on the plus strand (T>G on the coding strand, the complement: ADGRL1 is on the minus strand). VCF-style: chr19-14151145-A-C. GRCh37 (hg19) VCF-style: chr19-14261957-A-C.
Other names: c.4153T>G, p.Tyr1385Asp (NM_001008701.3); short protein forms Y1380D, Y1385D.
Identifiers: ClinVar variation 3901073 (VCV003901073.1).